The following is an entry in ClinVar:

ClinVar aggregate classification (germline): Likely pathogenic (1 of 4 stars; one submission).

Submission:

GeneDx
Classification: Likely pathogenic. Last evaluated: 2016-07-18. Review status: criteria provided, single submitter. Criteria: GeneDx Variant Classification (06012015). Collection method: clinical testing. Allele origin: germline. Affected: yes.
Comment: The c.1507_1534dup28 variant in the RAI1 gene has not been reported previously as a pathogenic variant nor as a benign variant, to our knowledge. The c.1507_1534dup28 variant causes a frameshift starting with codon Proline 512, changes this amino acid to a Glutamine residue, and creates a premature Stop codon at position 60 of the new reading frame, denoted p.Pro512GlnfsX60. This variant is predicted to cause loss of normal protein function either through protein truncation or nonsense-mediated mRNA decay. The c.1507_1534dup28 variant was not observed in approximately 6500 individuals of European and African American ancestry in the NHLBI Exome Sequencing Project, indicating it is not a common benign variant in these populations. We interpret c.1507_1534dup28 as a likely pathogenic variant.

NM_030665.4(RAI1):c.1507_1534dup (p.Pro512fs)

Gene: RAI1 (retinoic acid induced 1; plus strand). Cytogenetic location: 17p11.2.
Variant type: Duplication.
Coding change: c.1507_1534dup on transcript NM_030665.4 (MANE Select); coding-DNA positions 1507 to 1534, 28 bases duplicated (AGCACGCCACAGTCCACGCATGCGGAGC).
Protein change: p.Pro512fs; shifts the reading frame from proline 512.
Molecular consequence: frameshift variant.
Genome position (GRCh38, 1-based): chr17:17,794,455-17,794,482, AGCACGCCACAGTCCACGCATGCGGAGC duplicated; duplicating any 28 consecutive bases within chr17:17,794,451-17,794,482 gives the same sequence; the c. name uses the placement nearest the transcript's 3' end. VCF-style (leftmost placement, unchanged base first): chr17-17794450-C-CGAGCAGCACGCCACAGTCCACGCATGCG. GRCh37 (hg19) VCF-style: chr17-17697764-C-CGAGCAGCACGCCACAGTCCACGCATGCG.
Other names: c.1507_1534dupAGCACGCCACAGTCCACGCATGCGGAGC (NM_030665.3); short protein forms P512fs.
Identifiers: ClinVar variation 421678 (VCV000421678.2), dbSNP rs1555565170, ClinGen allele CA16620342.